The following is an entry in ClinVar:

ClinVar aggregate classification (germline): Uncertain significance. Review status: criteria provided, multiple submitters, no conflicts (2 of 4 stars). 2 submissions from 2 submitters: Uncertain significance (2). Last evaluated 2022-06-02.

Conditions:
Inborn genetic diseases. Identifiers: MedGen C0950123, MeSH D030342.

Allele frequency attached by ClinVar (database versions not stated): gnomAD exomes 0.00004; ExAC 0.00012; 1000 Genomes Project 30x 0.00031; gnomAD 0.00033; 1000 Genomes Project 0.00040; TOPMed 0.00041; ESP Exome Variant Server 0.00046.

Submissions (2):

Labcorp Genetics (formerly Invitae), Labcorp
Classification: Uncertain significance. Last evaluated: 2022-06-02. Review status: criteria provided, single submitter. Criteria: Invitae Variant Classification Sherloc (09022015). Collection method: clinical testing. Allele origin: germline.
Comment: This sequence change replaces glycine, which is neutral and non-polar, with serine, which is neutral and polar, at codon 354 of the GZF1 protein (p.Gly354Ser). This variant is present in population databases (rs142988512, gnomAD 0.1%). This variant has not been reported in the literature in individuals affected with GZF1-related conditions. Algorithms developed to predict the effect of missense changes on protein structure and function output the following: SIFT: "Not Available"; PolyPhen-2: "Benign"; Align-GVGD: "Not Available". The serine amino acid residue is found in multiple mammalian species, which suggests that this missense change does not adversely affect protein function. In summary, the available evidence is currently insufficient to determine the role of this variant in disease. Therefore, it has been classified as a Variant of Uncertain Significance.

Ambry Genetics
Classification: Uncertain significance for Inborn genetic diseases. Last evaluated: 2022-04-21. Review status: criteria provided, single submitter. Criteria: Ambry Variant Classification Scheme 2023. Collection method: clinical testing. Allele origin: germline.

NM_022482.5(GZF1):c.1060G>A (p.Gly354Ser)

Gene: GZF1 (GDNF inducible zinc finger protein 1; plus strand). Cytogenetic location: 20p11.21.
Variant type: single nucleotide variant.
Coding change: c.1060G>A on transcript NM_022482.5 (MANE Select); coding-DNA position 1060, G replaced by A.
Protein change: p.Gly354Ser; replaces glycine 354 with serine.
Molecular consequence: missense variant.
Genome position (GRCh38, 1-based): chr20:23,365,443, G>A. VCF-style: chr20-23365443-G-A. GRCh37 (hg19) VCF-style: chr20-23346080-G-A.
Other names: c.1060G>A, p.Gly354Ser (NM_001317012.2, NM_001317019.1); short protein forms G354S.
Identifiers: ClinVar variation 2053916 (VCV002053916.2), dbSNP rs142988512, ClinGen allele CA9788635.